The following is an entry in ClinVar:

ClinVar aggregate classification (germline): Uncertain significance (1 of 4 stars; one submission).

Conditions:
Cardiovascular phenotype. Identifiers: MedGen CN230736.

Submission:

Ambry Genetics
Classification: Uncertain significance for Cardiovascular phenotype. Last evaluated: 2023-12-11. Review status: criteria provided, single submitter. Criteria: Ambry Variant Classification Scheme 2023. Collection method: clinical testing. Allele origin: germline.
Comment: The p.L16R variant (also known as c.47T>G), located in coding exon 1 of the MYH6 gene, results from a T to G substitution at nucleotide position 47. The leucine at codon 16 is replaced by arginine, an amino acid with dissimilar properties. This amino acid position is conserved. In addition, this alteration is predicted to be deleterious by in silico analysis. Since supporting evidence is limited at this time, the clinical significance of this alteration remains unclear.

NM_002471.4(MYH6):c.47T>G (p.Leu16Arg)

Genes: MYH6 (myosin heavy chain 6; minus strand), LOC114827851 (VISTA enhancer hs2155; plus strand). Cytogenetic location: 14q11.2.
Variant type: single nucleotide variant.
Coding change: c.47T>G on transcript NM_002471.4 (MANE Select); coding-DNA position 47, T replaced by G.
Protein change: p.Leu16Arg; replaces leucine 16 with arginine.
Molecular consequence: missense variant.
Genome position (GRCh38, 1-based): chr14:23,407,177, A>C on the plus strand (T>G on the coding strand, the complement: MYH6 is on the minus strand). VCF-style: chr14-23407177-A-C. GRCh37 (hg19) VCF-style: chr14-23876386-A-C.
Other names: short protein forms L16R.
Identifiers: ClinVar variation 3222346 (VCV003222346.1), dbSNP rs2502213153, ClinGen allele CA389032177.